The following is an entry in ClinVar:

NM_014989.7(RIMS1):c.3257A>C (p.His1086Pro)

Gene: RIMS1 (regulating synaptic membrane exocytosis 1; plus strand). Cytogenetic location: 6q13.
Variant type: single nucleotide variant.
Coding change: c.3257A>C on transcript NM_014989.7 (MANE Select); coding-DNA position 3257, A replaced by C.
Protein change: p.His1086Pro; replaces histidine 1086 with proline.
Molecular consequence: missense variant. On other transcripts: intron variant (62).
Genome position (GRCh38, 1-based): chr6:72,265,452, A>C. VCF-style: chr6-72265452-A-C. GRCh37 (hg19) VCF-style: chr6-72975155-A-C.
Other names: c.1676A>C, p.His559Pro (NM_001350436.2); c.1470-508A>C (NM_001350428.2, NM_001350459.2, NM_001350424.2 and 1 more transcripts); c.1467-508A>C (NM_001350437.2, NM_001350430.2, NM_001350421.2 and 1 more transcripts); c.1616+400A>C (NM_001350458.2); c.1539-508A>C (NM_001350433.2, NM_001350446.2, NM_001350442.2 and 8 more transcripts); c.1538+4685A>C (NM_001350431.2); c.1476-508A>C (NM_001350457.2); c.1475+6341A>C (NM_001350460.2, NM_001350426.2, NM_001350429.2 and 1 more transcripts); and 14 more; short protein forms H1086P, H559P.
Identifiers: ClinVar variation 945358 (VCV000945358.9), dbSNP rs2080077422, ClinGen allele CA364685846.

ClinVar aggregate classification (germline): Uncertain significance (1 of 4 stars; one submission).

Submission:

Labcorp Genetics (formerly Invitae), Labcorp
Classification: Uncertain significance. Last evaluated: 2023-10-03. Review status: criteria provided, single submitter. Criteria: Invitae Variant Classification Sherloc (09022015). Collection method: clinical testing. Allele origin: germline.
Comment: This sequence change replaces histidine, which is basic and polar, with proline, which is neutral and non-polar, at codon 1086 of the RIMS1 protein (p.His1086Pro). This variant is not present in population databases (gnomAD no frequency). This variant has not been reported in the literature in individuals affected with RIMS1-related conditions. ClinVar contains an entry for this variant (Variation ID: 945358). Algorithms developed to predict the effect of missense changes on protein structure and function output the following: SIFT: "Not Available"; PolyPhen-2: "Benign"; Align-GVGD: "Not Available". The proline amino acid residue is found in multiple mammalian species, which suggests that this missense change does not adversely affect protein function. In summary, the available evidence is currently insufficient to determine the role of this variant in disease. Therefore, it has been classified as a Variant of Uncertain Significance.